The following is an entry in ClinVar:

ClinVar aggregate classification (germline): Uncertain significance (1 of 4 stars; one submission).

Conditions:
Progressive myoclonic epilepsy type 5. Identifiers: Orphanet 402082, MedGen C5190799.

Allele frequency attached by ClinVar (database versions not stated): 1000 Genomes Project 30x 0.00016.
gnomAD v4.1: 44 of 1,614,256 alleles (0.0027%); highest among the groups gnomAD compares: African/African-American, 0.004%; no homozygotes.

Submission:

Labcorp Genetics (formerly Invitae), Labcorp
Classification: Uncertain significance for Progressive myoclonic epilepsy type 5. Last evaluated: 2022-02-05. Review status: criteria provided, single submitter. Criteria: Invitae Variant Classification Sherloc (09022015). Collection method: clinical testing. Allele origin: germline.
Comment: In summary, the available evidence is currently insufficient to determine the role of this variant in disease. Therefore, it has been classified as a Variant of Uncertain Significance. Algorithms developed to predict the effect of missense changes on protein structure and function (SIFT, PolyPhen-2, Align-GVGD) all suggest that this variant is likely to be disruptive. This variant has not been reported in the literature in individuals affected with PRICKLE2-related conditions. This variant is present in population databases (rs147289291, gnomAD 0.005%). This sequence change replaces arginine, which is basic and polar, with leucine, which is neutral and non-polar, at codon 336 of the PRICKLE2 protein (p.Arg336Leu).

NM_198859.4(PRICKLE2):c.1007G>T (p.Arg336Leu)

Gene: PRICKLE2 (prickle planar cell polarity protein 2; minus strand). Cytogenetic location: 3p14.1.
Variant type: single nucleotide variant.
Coding change: c.1007G>T on transcript NM_198859.4 (MANE Select); coding-DNA position 1007, G replaced by T.
Protein change: p.Arg336Leu; replaces arginine 336 with leucine.
Molecular consequence: missense variant.
Genome position (GRCh38, 1-based): chr3:64,147,483, C>A on the plus strand (G>T on the coding strand, the complement: PRICKLE2 is on the minus strand). VCF-style: chr3-64147483-C-A. GRCh37 (hg19) VCF-style: chr3-64133159-C-A.
Other names: c.1007G>T, p.Arg336Leu (NM_001370528.1); short protein forms R336L.
Identifiers: ClinVar variation 1500062 (VCV001500062.10), dbSNP rs147289291, ClinGen allele CA2479705.